The following is an entry in ClinVar:

NM_000264.5(PTCH1):c.1264T>C (p.Phe422Leu)

Gene: PTCH1 (patched 1; minus strand). Cytogenetic location: 9q22.32.
Variant type: single nucleotide variant.
Coding change: c.1264T>C on transcript NM_000264.5 (MANE Select); coding-DNA position 1264, T replaced by C.
Protein change: p.Phe422Leu; replaces phenylalanine 422 with leucine.
Molecular consequence: missense variant. On other transcripts: non-coding transcript variant (1).
Genome position (GRCh38, 1-based): chr9:95,478,138, A>G on the plus strand (T>C on the coding strand, the complement: PTCH1 is on the minus strand). VCF-style: chr9-95478138-A-G. GRCh37 (hg19) VCF-style: chr9-98240420-A-G.
Other names: c.1066T>C, p.Phe356Leu (NM_001083602.3); c.1261T>C, p.Phe421Leu (NM_001083603.3); c.811T>C, p.Phe271Leu (NM_001083604.3, NM_001083605.3, NM_001083606.3 and 1 more transcripts); c.1264T>C, p.Phe422Leu (NM_001354918.2); short protein forms F421L, F271L, F356L, F422L.
Identifiers: ClinVar variation 4146859 (VCV004146859.1).

ClinVar aggregate classification (germline): Uncertain significance (1 of 4 stars; one submission).

Conditions:
Hereditary cancer-predisposing syndrome. Also called: Hereditary neoplastic syndrome; Neoplastic Syndromes, Hereditary; Tumor predisposition; Hereditary Cancer Syndrome. Identifiers: Orphanet 140162, MedGen C0027672, MeSH D009386, MONDO:0015356.

Submission:

Ambry Genetics
Classification: Uncertain significance for Hereditary cancer-predisposing syndrome. Last evaluated: 2025-07-06. Review status: criteria provided, single submitter. Criteria: Ambry Variant Classification Scheme 2023. Collection method: clinical testing. Allele origin: germline.
Comment: The p.F422L variant (also known as c.1264T>C), located in coding exon 9 of the PTCH1 gene, results from a T to C substitution at nucleotide position 1264. The phenylalanine at codon 422 is replaced by leucine, an amino acid with highly similar properties. This amino acid position is conserved. In addition, this alteration is predicted to be deleterious by in silico analysis. Based on the available evidence, the clinical significance of this variant remains unclear.